The following is an entry in ClinVar:

ClinVar aggregate classification (germline): Pathogenic (1 of 4 stars; one submission).

Submission:

Labcorp Genetics (formerly Invitae), Labcorp
Classification: Pathogenic. Last evaluated: 2022-07-22. Review status: criteria provided, single submitter. Criteria: Invitae Variant Classification Sherloc (09022015). Collection method: clinical testing. Allele origin: germline.
Comment: For these reasons, this variant has been classified as Pathogenic. ClinVar contains an entry for this variant (Variation ID: 963865). This variant has not been reported in the literature in individuals affected with LAMB3-related conditions. This variant is not present in population databases (gnomAD no frequency). This sequence change creates a premature translational stop signal (p.Val768Leufs*4) in the LAMB3 gene. It is expected to result in an absent or disrupted protein product. Loss-of-function variants in LAMB3 are known to be pathogenic (PMID: 11023379, 16473856).

Literature cited by the submitters: PubMed 11023379; PubMed 16473856.

NM_000228.3(LAMB3):c.2300_2301dup (p.Val768fs)

Gene: LAMB3 (laminin subunit beta 3; minus strand). Cytogenetic location: 1q32.2.
Variant type: Duplication.
Coding change: c.2300_2301dup on transcript NM_000228.3 (MANE Select); coding-DNA positions 2300 to 2301, 2 bases duplicated (TT; older notation c.2300_2301dupTT).
Protein change: p.Val768fs; shifts the reading frame from valine 768.
Molecular consequence: frameshift variant.
Genome position (GRCh38, 1-based): chr1:209,623,562-209,623,563, AA duplicated on the plus strand (TT on the coding strand, the reverse complement: LAMB3 is on the minus strand). VCF-style (leftmost placement, unchanged base first): chr1-209623561-C-CAA. GRCh37 (hg19) VCF-style: chr1-209796906-C-CAA.
Other names: c.2300_2301dup, p.Val768fs (NM_001017402.2, NM_001127641.1); short protein forms V768fs.
Identifiers: ClinVar variation 963865 (VCV000963865.7), dbSNP rs1666291169, ClinGen allele CA1139656515.
Genomic context (GRCh38, chr1:209,623,561, plus strand): 5'-TCACCTTGTTGAAGGTGGGTGTCAGGTCAGGCAACGAAGACATCTCCAGCCTCAGGGCCA[C>CAA]AAGCTTGGGGCTGCCGGTGCCTCCTCCTCCTCCCGCCTGCCGCACCAGCCTCTCTGCCTC-3'